The following is an entry in ClinVar:

NM_001734.5(C1S):c.309C>A (p.Tyr103Ter)

Gene: C1S (complement C1s; plus strand). Cytogenetic location: 12p13.31.
Variant type: single nucleotide variant.
Coding change: c.309C>A on transcript NM_001734.5 (MANE Select); coding-DNA position 309, C replaced by A.
Protein change: p.Tyr103Ter; replaces tyrosine 103 with a stop codon.
Molecular consequence: nonsense. On other transcripts: 5 prime UTR variant (1).
Genome position (GRCh38, 1-based): chr12:7,062,985, C>A. VCF-style: chr12-7062985-C-A. GRCh37 (hg19) VCF-style: chr12-7170289-C-A.
Other names: c.-193C>A (NM_001346850.2); c.309C>A, p.Tyr103Ter (NM_201442.4); short protein forms Y103*.
Identifiers: ClinVar variation 2131837 (VCV002131837.4), dbSNP rs1555161495, ClinGen allele CA383689326.

ClinVar aggregate classification (germline): Pathogenic (1 of 4 stars; one submission).

Submission:

Labcorp Genetics (formerly Invitae), Labcorp
Classification: Pathogenic. Last evaluated: 2023-07-21. Review status: criteria provided, single submitter. Criteria: Invitae Variant Classification Sherloc (09022015). Collection method: clinical testing. Allele origin: germline.
Comment: ClinVar contains an entry for this variant (Variation ID: 2131837). This sequence change creates a premature translational stop signal (p.Tyr103*) in the C1S gene. It is expected to result in an absent or disrupted protein product. Loss-of-function variants in C1S are known to be pathogenic (PMID: 18062908). This variant is not present in population databases (gnomAD no frequency). This variant has not been reported in the literature in individuals affected with C1S-related conditions. For these reasons, this variant has been classified as Pathogenic.

Literature cited by the submitters: PubMed 18062908.